The following is an entry in ClinVar:

ClinVar aggregate classification (germline): Likely pathogenic (1 of 4 stars; one submission).

Allele frequency attached by ClinVar (database versions not stated): TOPMed below 0.00001; gnomAD 0.00001.
gnomAD v4.1: 1 of 1,613,846 alleles (0.000062%); highest among the groups gnomAD compares: Non-Finnish European, 0.000085%; no homozygotes.

Submission:

Labcorp Genetics (formerly Invitae), Labcorp
Classification: Likely pathogenic. Last evaluated: 2022-10-31. Review status: criteria provided, single submitter. Criteria: Invitae Variant Classification Sherloc (09022015). Collection method: clinical testing. Allele origin: germline.
Comment: This variant is not present in population databases (gnomAD no frequency). This variant has not been reported in the literature in individuals affected with NPHS1-related conditions. This sequence change affects a donor splice site in intron 21 of the NPHS1 gene. It is expected to disrupt RNA splicing. Variants that disrupt the donor or acceptor splice site typically lead to a loss of protein function (PMID: 16199547), and loss-of-function variants in NPHS1 are known to be pathogenic (PMID: 11317351, 11854170, 12039988). Algorithms developed to predict the effect of sequence changes on RNA splicing suggest that this variant may disrupt the consensus splice site. In summary, the currently available evidence indicates that the variant is pathogenic, but additional data are needed to prove that conclusively. Therefore, this variant has been classified as Likely Pathogenic.

Literature cited by the submitters: PubMed 16199547; PubMed 11317351; PubMed 11854170; PubMed 12039988.

NM_004646.4(NPHS1):c.2927+2T>C

Gene: NPHS1 (NPHS1 adhesion molecule, nephrin; minus strand). Cytogenetic location: 19q13.12.
Variant type: single nucleotide variant.
Coding change: c.2927+2T>C on transcript NM_004646.4 (MANE Select); the canonical splice donor site of the intron after coding-DNA position 2927, T replaced by C.
Molecular consequence: splice donor variant.
Genome position (GRCh38, 1-based): chr19:35,839,494, A>G on the plus strand (T>C on the coding strand, the complement: NPHS1 is on the minus strand). VCF-style: chr19-35839494-A-G. GRCh37 (hg19) VCF-style: chr19-36330396-A-G.
Identifiers: ClinVar variation 3001456 (VCV003001456.3), dbSNP rs1973023048, ClinGen allele CA405385651.
Genomic context (GRCh38, chr19:35,839,494, plus strand): 5'-ATAGTAAATTCAGGGAAGTGCCCTAGCCCATTCCCTTCCCTCCTGCCTCGACAAGGACCC[A>G]CCTGATGCAGAACCTCTGTGGCAGGCCCCCATCAAAGCCAGGCTTCCACTCCAGCCCCAC-3'